The following is an entry in ClinVar:

NM_006379.5(SEMA3C):c.1642C>T (p.Arg548Trp)

Gene: SEMA3C (semaphorin 3C; minus strand). Cytogenetic location: 7q21.11.
Variant type: single nucleotide variant.
Coding change: c.1642C>T on transcript NM_006379.5 (MANE Select); coding-DNA position 1642, C replaced by T.
Protein change: p.Arg548Trp; replaces arginine 548 with tryptophan.
Molecular consequence: missense variant.
Genome position (GRCh38, 1-based): chr7:80,758,332, G>A on the plus strand (C>T on the coding strand, the complement: SEMA3C is on the minus strand). VCF-style: chr7-80758332-G-A. GRCh37 (hg19) VCF-style: chr7-80387648-G-A.
Other names: c.1696C>T, p.Arg566Trp (NM_001350120.2); c.1468C>T, p.Arg490Trp (NM_001350121.2); short protein forms R490W, R548W, R566W.
Identifiers: ClinVar variation 3357438 (VCV003357438.1).

ClinVar aggregate classification (germline): Uncertain significance (0 of 4 stars; one submission).

Conditions:
SEMA3C-related disorder. Also called: SEMA3C-related condition.

Submission:

PreventionGenetics, part of Exact Sciences
Classification: Uncertain significance for SEMA3C-related condition. Last evaluated: 2024-05-10. Review status: no assertion criteria provided. Collection method: clinical testing. Allele origin: germline.
Comment: The SEMA3C c.1696C>T variant is predicted to result in the amino acid substitution p.Arg566Trp. To our knowledge, this variant has not been reported in the literature. This variant is reported in 0.0033% of alleles in individuals of South Asian descent in gnomAD. At this time, the clinical significance of this variant is uncertain due to the absence of conclusive functional and genetic evidence.